The following is an entry in ClinVar:

NM_020822.3(KCNT1):c.2584T>G (p.Ser862Ala)

Gene: KCNT1 (potassium sodium-activated channel subfamily T member 1; plus strand). Cytogenetic location: 9q34.3.
Variant type: single nucleotide variant.
Coding change: c.2584T>G on transcript NM_020822.3 (MANE Select); coding-DNA position 2584, T replaced by G.
Protein change: p.Ser862Ala; replaces serine 862 with alanine.
Molecular consequence: missense variant.
Genome position (GRCh38, 1-based): chr9:135,778,485, T>G. VCF-style: chr9-135778485-T-G. GRCh37 (hg19) VCF-style: chr9-138670331-T-G.
Other names: c.2449T>G, p.Ser817Ala (NM_001272003.2); short protein forms S862A, S817A.
Identifiers: ClinVar variation 4790382 (VCV004790382.1).

ClinVar aggregate classification (germline): Uncertain significance (1 of 4 stars; one submission).

Conditions:
Autosomal dominant nocturnal frontal lobe epilepsy 5. Also called: CILIARY DYSKINESIA, PRIMARY, 28, WITHOUT SITUS INVERSUS; CILIARY DYSKINESIA, PRIMARY, 28, WITH SITUS INVERSUS; KCNT1-Related Epilepsy; Epilepsy, nocturnal frontal lobe, 5. Identifiers: Orphanet 98784, MedGen C3554306, MONDO:0014002, OMIM 615005.
Developmental and epileptic encephalopathy, 14 (DEE14). Also called: Early infantile epileptic encephalopathy 14. Identifiers: Orphanet 293181, MedGen C3554195, MONDO:0013989, OMIM 614959.

Submission:

Labcorp Genetics (formerly Invitae), Labcorp
Classification: Uncertain significance for Autosomal dominant nocturnal frontal lobe epilepsy 5; Developmental and epileptic encephalopathy, 14. Last evaluated: 2025-05-11. Review status: criteria provided, single submitter. Criteria: Invitae Variant Classification Sherloc (09022015). Collection method: clinical testing. Allele origin: germline.
Comment: This sequence change replaces serine, which is neutral and polar, with alanine, which is neutral and non-polar, at codon 862 of the KCNT1 protein (p.Ser862Ala). This variant is present in population databases (rs578161648, gnomAD 0.001%). This variant has not been reported in the literature in individuals affected with KCNT1-related conditions. Invitae Evidence Modeling of protein sequence and biophysical properties (such as structural, functional, and spatial information, amino acid conservation, physicochemical variation, residue mobility, and thermodynamic stability) indicates that this missense variant is not expected to disrupt KCNT1 protein function with a negative predictive value of 80%. In summary, the available evidence is currently insufficient to determine the role of this variant in disease. Therefore, it has been classified as a Variant of Uncertain Significance.